The following is an entry in ClinVar:

ClinVar aggregate classification (germline): Uncertain significance (1 of 4 stars; one submission).

Conditions:
Encephalopathy, acute, infection-induced (herpes-specific), susceptibility to, 1. Also called: Herpes simplex encephalitis, susceptibility to, 1. Identifiers: Orphanet 1930, MedGen C2750180, MONDO:0024563, OMIM 610551.

Submission:

Labcorp Genetics (formerly Invitae), Labcorp
Classification: Uncertain significance for Encephalopathy, acute, infection-induced (herpes-specific), susceptibility to, 1. Last evaluated: 2022-06-22. Review status: criteria provided, single submitter. Criteria: Invitae Variant Classification Sherloc (09022015). Collection method: clinical testing. Allele origin: germline.
Comment: This sequence change replaces valine, which is neutral and non-polar, with methionine, which is neutral and non-polar, at codon 406 of the UNC93B1 protein (p.Val406Met). Information on the frequency of this variant in the gnomAD database is not available, as this variant may be reported differently in the database. This variant has not been reported in the literature in individuals affected with UNC93B1-related conditions. ClinVar contains an entry for this variant (Variation ID: 862616). In summary, the available evidence is currently insufficient to determine the role of this variant in disease. Therefore, it has been classified as a Variant of Uncertain Significance.

NM_030930.4(UNC93B1):c.1215_1216delinsCA (p.Val406Met)

Gene: UNC93B1 (unc-93B1 regulator of TLR signaling; minus strand). Cytogenetic location: 11q13.2.
Variant type: Indel.
Coding change: c.1215_1216delinsCA on transcript NM_030930.4 (MANE Select); coding-DNA positions 1215 to 1216, GG replaced by CA.
Protein change: p.Val406Met; replaces valine 406 with methionine.
Molecular consequence: missense variant.
Genome position (GRCh38, 1-based): chr11:67,995,758-67,995,759, CC replaced by TG on the plus strand (GG replaced by CA on the coding strand, the reverse complement: UNC93B1 is on the minus strand). VCF-style: chr11-67995758-CC-TG. GRCh37 (hg19) VCF-style: chr11-67763229-CC-TG.
Other names: short protein forms V406M.
Identifiers: ClinVar variation 862616 (VCV000862616.7), dbSNP rs1856933346, ClinGen allele CA916080428.
Genomic context (GRCh38, chr11:67,995,758, plus strand): 5'-GCACAGGGGCCCAGAAAAAGAGGATGAAGGTGAGCAGCAGGTGCACCCCTGCTCCGGCCA[CC>TG]AGGGGCACCGGGCGTGGCAGCCACAGGCCCAGCAGGCCCAGGAGTGAGGCGGCTGAGGCG-3'
Protein context (NP_112192.2, residues 396-416): GLWLPRPVPL[Val406Met]AGAGVHLLLT